The following is an entry in ClinVar:

ClinVar aggregate classification (germline): Uncertain significance (1 of 4 stars; one submission).

Conditions:
Inborn genetic diseases. Identifiers: MedGen C0950123, MeSH D030342.

gnomAD v4.1: 1 of 1,614,100 alleles (0.000062%); highest among the groups gnomAD compares: Middle Eastern, 0.017%; no homozygotes.

Submission:

Ambry Genetics
Classification: Uncertain significance for Inborn genetic diseases. Last evaluated: 2024-11-30. Review status: criteria provided, single submitter. Criteria: Ambry Variant Classification Scheme 2023. Collection method: clinical testing. Allele origin: germline.
Comment: The p.T561A variant (also known as c.1681A>G), located in coding exon 18 of the FANCA gene, results from an A to G substitution at nucleotide position 1681. The threonine at codon 561 is replaced by alanine, an amino acid with similar properties. This amino acid position is conserved. In addition, this alteration is predicted to be deleterious by in silico analysis. Based on the available evidence, the clinical significance of this variant remains unclear.

NM_000135.4(FANCA):c.1681A>G (p.Thr561Ala)

Gene: FANCA (FA complementation group A; minus strand). Cytogenetic location: 16q24.3.
Variant type: single nucleotide variant.
Coding change: c.1681A>G on transcript NM_000135.4 (MANE Select); coding-DNA position 1681, A replaced by G.
Protein change: p.Thr561Ala; replaces threonine 561 with alanine.
Molecular consequence: missense variant.
Genome position (GRCh38, 1-based): chr16:89,779,903, T>C on the plus strand (A>G on the coding strand, the complement: FANCA is on the minus strand). VCF-style: chr16-89779903-T-C. GRCh37 (hg19) VCF-style: chr16-89846311-T-C.
Other names: c.1681A>G, p.Thr561Ala (NM_001286167.3); short protein forms T561A.
Identifiers: ClinVar variation 3512692 (VCV003512692.1).